The following is an entry in ClinVar:

ClinVar aggregate classification (germline): Uncertain significance (1 of 4 stars; one submission).

Conditions:
Neutropenia, severe congenital, 2, autosomal dominant. Identifiers: Orphanet 486, MedGen C2751288, MONDO:0013139, OMIM 613107.

Submission:

Labcorp Genetics (formerly Invitae), Labcorp
Classification: Uncertain significance for Neutropenia, severe congenital, 2, autosomal dominant. Last evaluated: 2025-02-19. Review status: criteria provided, single submitter. Criteria: Invitae Variant Classification Sherloc (09022015). Collection method: clinical testing. Allele origin: germline.
Comment: This sequence change creates a premature translational stop signal (p.Phe119Leufs*79) in the GFI1 gene. It is expected to result in an absent or disrupted protein product. However, the current clinical and genetic evidence is not sufficient to establish whether loss-of-function variants in GFI1 cause disease. This variant is present in population databases (rs770845131, gnomAD 0.001%). This variant has not been reported in the literature in individuals affected with GFI1-related conditions. In summary, the available evidence is currently insufficient to determine the role of this variant in disease. Therefore, it has been classified as a Variant of Uncertain Significance.

NM_005263.5(GFI1):c.357del (p.Phe119fs)

Gene: GFI1 (growth factor independent 1 transcriptional repressor; minus strand). Cytogenetic location: 1p22.1.
Variant type: Deletion.
Coding change: c.357del on transcript NM_005263.5 (MANE Select); coding-DNA position 357, one base deleted (C; older notation c.357delC).
Protein change: p.Phe119fs; shifts the reading frame from phenylalanine 119.
Molecular consequence: frameshift variant.
Genome position (GRCh38, 1-based): chr1:92,481,030, G deleted on the plus strand (C on the coding strand, the reverse complement: GFI1 is on the minus strand). VCF-style (leftmost placement, unchanged base first): chr1-92481029-TG-T. GRCh37 (hg19) VCF-style: chr1-92946586-TG-T.
Other names: c.357del, p.Phe119fs (NM_001127215.3, NM_001127216.3); short protein forms F119fs.
Identifiers: ClinVar variation 4713069 (VCV004713069.1).